The following is an entry in ClinVar:

ClinVar aggregate classification (germline): Uncertain significance. Review status: criteria provided, multiple submitters, no conflicts (2 of 4 stars). 2 submissions from 2 submitters: Uncertain significance (2). Last evaluated 2025-07-29.

Conditions:
Inborn genetic diseases. Identifiers: MedGen C0950123, MeSH D030342.
MYO5B-related disorder. Also called: MYO5B-related condition.

gnomAD v4.1: 52 of 1,612,948 alleles (0.0032%); highest among the groups gnomAD compares: Non-Finnish European, 0.004%; no homozygotes.

Submissions (2):

PreventionGenetics, part of Exact Sciences
Classification: Uncertain significance for MYO5B-related condition. Last evaluated: 2025-07-29. Review status: criteria provided, single submitter. Criteria: ACMG Guidelines, 2015. Collection method: clinical testing. Allele origin: germline.
Comment: The MYO5B c.4816A>G variant is predicted to result in the amino acid substitution p.Ile1606Val. To our knowledge, this variant has not been reported in the literature. This variant is reported in 0.0083% of alleles in individuals of African descent in gnomAD. At this time, the clinical significance of this variant is uncertain due to the absence of conclusive functional and genetic evidence.

Ambry Genetics
Classification: Uncertain significance for Inborn genetic diseases. Last evaluated: 2025-06-09. Review status: criteria provided, single submitter. Criteria: Ambry Variant Classification Scheme 2023. Collection method: clinical testing. Allele origin: germline.

NM_001080467.3(MYO5B):c.4816A>G (p.Ile1606Val)

Genes: MYO5B (myosin VB; minus strand), SNHG22 (small nucleolar RNA host gene 22; plus strand). Cytogenetic location: 18q21.1.
Variant type: single nucleotide variant.
Coding change: c.4816A>G on transcript NM_001080467.3 (MANE Select); coding-DNA position 4816, A replaced by G.
Protein change: p.Ile1606Val; replaces isoleucine 1606 with valine.
Molecular consequence: missense variant.
Genome position (GRCh38, 1-based): chr18:49,839,180, T>C on the plus strand (A>G on the coding strand, the complement: MYO5B is on the minus strand). VCF-style: chr18-49839180-T-C. GRCh37 (hg19) VCF-style: chr18-47365550-T-C.
Other names: short protein forms I1606V.
Identifiers: ClinVar variation 3916294 (VCV003916294.2).